The following is an entry in ClinVar:

ClinVar aggregate classification (germline): Conflicting classifications of pathogenicity. Review status: criteria provided, conflicting classifications (1 of 4 stars). 6 submissions from 6 submitters: Uncertain significance (4); Likely benign (2). Last evaluated 2025-12-10.

Conditions:
Maturity-onset diabetes of the young (MODY). Also called: Maturity onset diabetes mellitus in young. Identifiers: Orphanet 552, MedGen C0342276, MONDO:0018911, HP:0004904.
HNF1B-related disorder. Also called: HNF1B-related condition; HNF1B-related disorders.
Type 2 diabetes mellitus. Also called: Type II diabetes mellitus. Identifiers: MedGen C0011860, MeSH D003924, MONDO:0005148, OMIM 125853, HP:0005978.
Renal cysts and diabetes syndrome (RCAD). Also called: Familial hypoplastic, glomerulocystic kidney; MATURITY-ONSET DIABETES OF THE YOUNG, TYPE 5. Identifiers: Orphanet 93111, MedGen C0431693, MONDO:0007669, OMIM 137920.
Nonpapillary renal cell carcinoma. Identifiers: Orphanet 422526, MedGen CN074294, MONDO:0007763, OMIM 144700.

Allele frequency attached by ClinVar (database versions not stated): TOPMed 0.00005; 1000 Genomes Project 30x 0.00016; ExAC 0.00017; 1000 Genomes Project 0.00020; gnomAD 0.00005.
gnomAD v4.1: 51 of 1,613,622 alleles (0.0032%); highest among the groups gnomAD compares: East Asian, 0.1%; no homozygotes.

Submissions (6):

Labcorp Genetics (formerly Invitae), Labcorp
Classification: Likely benign. Last evaluated: 2025-12-10. Review status: criteria provided, single submitter. Criteria: Invitae Variant Classification Sherloc (09022015). Collection method: clinical testing. Allele origin: germline.

PreventionGenetics, part of Exact Sciences
Classification: Uncertain significance for HNF1B-related condition. Last evaluated: 2025-11-19. Review status: criteria provided, single submitter. Criteria: ACMG Guidelines, 2015. Collection method: clinical testing. Allele origin: germline.
Comment: The HNF1B c.107C>T variant is predicted to result in the amino acid substitution p.Ser36Phe. This variant has been reported in two families with with early-onset type 2 diabetes; This variant has also been reported with uncertain significance in an individual with a horseshoe kidney and a ventricular septal defect (Supplementary Table 3, Liu et al. 2022. PubMed ID: 36549658). Functional studies suggest this variant results in a gain of function however, it is not clear how this mechanism would result in disease (Yoshiuchi et al. 2002. PubMed ID: 11845238). This variant is reported in 0.18% of alleles in individuals of East Asian descent in gnomAD. At this time, the clinical significance of this variant is uncertain due to the absence of conclusive functional and genetic evidence.

Women's Health and Genetics/Laboratory Corporation of America, LabCorp
Classification: Likely benign. Last evaluated: 2024-11-20. Review status: criteria provided, single submitter. Criteria: LabCorp Variant Classification Summary - May 2015. Collection method: clinical testing. Allele origin: germline.
Comment: Variant summary: HNF1B c.107C>T (p.Ser36Phe) results in a non-conservative amino acid change located in the Hepatocyte nuclear factor 1 (HNF-1), N terminus domain (IPR006899) of the encoded protein sequence. Three of five in-silico tools predict a damaging effect of the variant on protein function. The variant allele was found at a frequency of 0.00013 in 250960 control chromosomes. The observed variant frequency is approximately 51.0041 fold of the estimated maximal expected allele frequency for a pathogenic variant in HNF1B causing Maturity Onset Diabetes Of The Young 5 (Renal Cysts And Diabetes Syndrome) phenotype (2.5e-06). c.107C>T has been reported in the literature in individuals affected with clinical features of Maturity Onset Diabetes Of The Young 5 (Renal Cysts And Diabetes Syndrome) without strong evidence for causality (example, Liu_2022, Wang_2004, Yoshiuchi_2002). These report(s) do not provide unequivocal conclusions about association of the variant with Maturity Onset Diabetes Of The Young 5 (Renal Cysts And Diabetes Syndrome). At least one publication reports experimental evidence evaluating an impact on protein function, however, does not allow convincing conclusions about the variant effect (example, Yoshiuchi_2002). The following publications have been ascertained in the context of this evaluation (PMID: 36549658, 15660195, 11845238). ClinVar contains an entry for this variant (Variation ID: 635731). Based on the evidence outlined above, the variant was classified as likely benign.

Fulgent Genetics
Classification: Uncertain significance for Type 2 diabetes mellitus; Renal cysts and diabetes syndrome; Nonpapillary renal cell carcinoma. Last evaluated: 2022-03-11. Review status: criteria provided, single submitter. Criteria: ACMG Guidelines, 2015. Collection method: clinical testing. Allele origin: unknown.

Broad Center for Mendelian Genomics, Broad Institute of MIT and Harvard
Classification: Uncertain significance for Maturity-onset diabetes of the young. Last evaluated: 2020-01-22. Review status: criteria provided, single submitter. Criteria: ACMG Guidelines, 2015. Collection method: curation. Allele origin: germline. Inheritance: Autosomal dominant inheritance.
Comment: The p.Ser36Phe variant in HNF1B has been reported in 3 Japanese individuals with MODY (PMID: 11845238), and has been identified in 0.2% (36/19922) of East Asian chromosomes by the Genome Aggregation Database (gnomAD; dbSNP rs544890850). This variant has been seen in the general population at a frequency high enough to rule out a pathogenic role. In vitro functional studies provide some evidence that the p.Ser36Phe variant may slightly impact protein function (PMID: 11845238). However, these types of assays may not accurately represent biological function. Computational prediction tools and conservation analyses do not provide strong support for or against an impact to the protein. In summary, the clinical significance of the p.Ser36Phe variant is uncertain. ACMG/AMP Criteria applied: BA1, PS3_supporting (Richards 2015).

Institute of Human Genetics, FAU Erlangen, Friedrich-Alexander-Universität Erlangen-Nürnberg
Classification: Uncertain significance for Renal cysts and diabetes syndrome. Last evaluated: 2019-07-06. Review status: criteria provided, single submitter. Criteria: ACMG Guidelines, 2015. Collection method: literature only. Allele origin: germline. Affected: yes.
Comment: This variant and it's classification has been reported by Vasileiou et al. 2019; DOI:10.1101/576918. The variants has previously been reported in PMID:25700310; PMID:25705165; PMID:25536396 as "c.107C>T" with clinical significance Pathogenic. It has been re-classified using InterVar and manual curation as Uncertain significance based on PM1 PP3.

Literature cited by the submitters: PubMed 11845238 (cited by Women's Health and Genetics/Laboratory Corporation of America, LabCorp and Broad Center for Mendelian Genomics, Broad Institute of MIT and Harvard); PubMed 36549658 (cited by Women's Health and Genetics/Laboratory Corporation of America, LabCorp); PubMed 15660195 (cited by Women's Health and Genetics/Laboratory Corporation of America, LabCorp); PubMed 25700310 (cited by Institute of Human Genetics, FAU Erlangen, Friedrich-Alexander-Universität Erlangen-Nürnberg); PubMed 25705165 (cited by Institute of Human Genetics, FAU Erlangen, Friedrich-Alexander-Universität Erlangen-Nürnberg); PubMed 25536396 (cited by Institute of Human Genetics, FAU Erlangen, Friedrich-Alexander-Universität Erlangen-Nürnberg); DOI 10.1101/576918 (cited by Institute of Human Genetics, FAU Erlangen, Friedrich-Alexander-Universität Erlangen-Nürnberg).

NM_000458.4(HNF1B):c.107C>T (p.Ser36Phe)

Gene: HNF1B (HNF1 homeobox B; minus strand). Cytogenetic location: 17q12.
Variant type: single nucleotide variant.
Coding change: c.107C>T on transcript NM_000458.4 (MANE Select); coding-DNA position 107, C replaced by T.
Protein change: p.Ser36Phe; replaces serine 36 with phenylalanine.
Molecular consequence: missense variant.
Genome position (GRCh38, 1-based): chr17:37,744,778, G>A on the plus strand (C>T on the coding strand, the complement: HNF1B is on the minus strand). VCF-style: chr17-37744778-G-A. GRCh37 (hg19) VCF-style: chr17-36104769-G-A.
Other names: NM_000458.4:c.107C>T; c.107C>T, p.Ser36Phe (NM_001165923.4, NM_001304286.2); short protein forms S36F.
Identifiers: ClinVar variation 635731 (VCV000635731.11), dbSNP rs544890850, ClinGen allele CA8519156.